The following is an entry in ClinVar:

NM_001041.4(SI):c.3415C>T (p.Pro1139Ser)

Gene: SI (sucrase-isomaltase; minus strand). Cytogenetic location: 3q26.1.
Variant type: single nucleotide variant.
Coding change: c.3415C>T on transcript NM_001041.4 (MANE Select); coding-DNA position 3415, C replaced by T.
Protein change: p.Pro1139Ser; replaces proline 1139 with serine.
Molecular consequence: missense variant.
Genome position (GRCh38, 1-based): chr3:165,019,610, G>A on the plus strand (C>T on the coding strand, the complement: SI is on the minus strand). VCF-style: chr3-165019610-G-A. GRCh37 (hg19) VCF-style: chr3-164737398-G-A.
Other names: short protein forms P1139S.
Identifiers: ClinVar variation 2007732 (VCV002007732.4), dbSNP rs2473281960, ClinGen allele CA355038896.

ClinVar aggregate classification (germline): Uncertain significance (1 of 4 stars; one submission).

gnomAD v4.1: 2 of 1,612,248 alleles (0.00012%); highest among the groups gnomAD compares: South Asian, 0.0022%; no homozygotes.

Submission:

Labcorp Genetics (formerly Invitae), Labcorp
Classification: Uncertain significance. Last evaluated: 2025-03-31. Review status: criteria provided, single submitter. Criteria: Invitae Variant Classification Sherloc (09022015). Collection method: clinical testing. Allele origin: germline.
Comment: This sequence change replaces proline, which is neutral and non-polar, with serine, which is neutral and polar, at codon 1139 of the SI protein (p.Pro1139Ser). This variant is not present in population databases (gnomAD no frequency). This variant has not been reported in the literature in individuals affected with SI-related conditions. ClinVar contains an entry for this variant (Variation ID: 2007732). Invitae Evidence Modeling of protein sequence and biophysical properties (such as structural, functional, and spatial information, amino acid conservation, physicochemical variation, residue mobility, and thermodynamic stability) indicates that this missense variant is not expected to disrupt SI protein function with a negative predictive value of 95%. In summary, the available evidence is currently insufficient to determine the role of this variant in disease. Therefore, it has been classified as a Variant of Uncertain Significance.